The following is an entry in ClinVar:

ClinVar aggregate classification (germline): Uncertain significance (1 of 4 stars; one submission).

Submission:

GeneDx
Classification: Uncertain significance. Last evaluated: 2024-06-07. Review status: criteria provided, single submitter. Criteria: GeneDx Variant Classification Process June 2021. Collection method: clinical testing. Allele origin: germline. Affected: yes.
Comment: In-frame deletion of 3 amino acids and insertion of 1 different amino acid in a non-repeat region; Not observed at significant frequency in large population cohorts (gnomAD); Has not been previously published as pathogenic or benign to our knowledge; This variant is associated with the following publications: (PMID: 8906794)

NM_000264.5(PTCH1):c.2933_2938del (p.Leu978_Gly980delinsArg)

Gene: PTCH1 (patched 1; minus strand). Cytogenetic location: 9q22.32.
Variant type: Deletion.
Coding change: c.2933_2938del on transcript NM_000264.5 (MANE Select); coding-DNA positions 2933 to 2938, 6 bases deleted (TCAACG; older notation c.2933_2938delTCAACG).
Protein change: p.Leu978_Gly980delinsArg.
Molecular consequence: inframe indel. On other transcripts: non-coding transcript variant (1).
Genome position (GRCh38, 1-based): chr9:95,458,243-95,458,248, CGTTGA deleted on the plus strand (TCAACG on the coding strand, the reverse complement: PTCH1 is on the minus strand). VCF-style (leftmost placement, unchanged base first): chr9-95458242-CCGTTGA-C. GRCh37 (hg19) VCF-style: chr9-98220524-CCGTTGA-C.
Other names: c.2933_2938delTCAACG, p.Leu978_Gly980delinsArg (NM_000264.3); c.2735_2740del, p.Leu912_Gly914delinsArg (NM_001083602.3); c.2930_2935del, p.Leu977_Gly979delinsArg (NM_001083603.3); c.2480_2485del, p.Leu827_Gly829delinsArg (NM_001083604.3, NM_001083605.3, NM_001083606.3 and 1 more transcripts); c.2777_2782del, p.Leu926_Gly928delinsArg (NM_001354918.2).
Identifiers: ClinVar variation 3384265 (VCV003384265.1).
Genomic context (GRCh38, chr9:95,458,242, plus strand): 5'-TTGCTGCAGATGGTCCTTACTTTTTCAATTGCCTCCACAAAGTCTGAGGTGTCCCGCAAG[CCGTTGA>C]GGTAGAAAGGGAACTGGGCATACTCGATGGGCTCTGCTGCCGGGACTGGACAGAGAAGGG-3'